The following is an entry in ClinVar:

ClinVar aggregate classification (germline): Uncertain significance (1 of 4 stars; one submission).

Allele frequency attached by ClinVar (database versions not stated): gnomAD exomes below 0.00001; TOPMed 0.00002.
gnomAD v4.1: 1 of 1,614,160 alleles (0.000062%); highest among the groups gnomAD compares: Non-Finnish European, 0.000085%; no homozygotes.

Submission:

Labcorp Genetics (formerly Invitae), Labcorp
Classification: Uncertain significance. Last evaluated: 2021-12-24. Review status: criteria provided, single submitter. Criteria: Invitae Variant Classification Sherloc (09022015). Collection method: clinical testing. Allele origin: germline.
Comment: This variant has not been reported in the literature in individuals affected with RP1-related conditions. Algorithms developed to predict the effect of missense changes on protein structure and function output the following: SIFT: "Tolerated"; PolyPhen-2: "Benign"; Align-GVGD: "Class C0". The valine amino acid residue is found in multiple mammalian species, which suggests that this missense change does not adversely affect protein function. In summary, the available evidence is currently insufficient to determine the role of this variant in disease. Therefore, it has been classified as a Variant of Uncertain Significance. This sequence change replaces isoleucine, which is neutral and non-polar, with valine, which is neutral and non-polar, at codon 1641 of the RP1 protein (p.Ile1641Val). This variant is not present in population databases (gnomAD no frequency).

NM_006269.2(RP1):c.4921A>G (p.Ile1641Val)

Genes: RP1 (RP1 axonemal microtubule associated; plus strand), LOC126860392 (CDK7 strongly-dependent group 2 enhancer GRCh37_chr8:55541319-55542518; plus strand). Cytogenetic location: 8q12.1.
Variant type: single nucleotide variant.
Coding change: c.4921A>G on transcript NM_006269.2 (MANE Select); coding-DNA position 4921, A replaced by G.
Protein change: p.Ile1641Val; replaces isoleucine 1641 with valine.
Molecular consequence: missense variant. On other transcripts: intron variant (1).
Genome position (GRCh38, 1-based): chr8:54,628,803, A>G. VCF-style: chr8-54628803-A-G. GRCh37 (hg19) VCF-style: chr8-55541363-A-G.
Other names: c.787+6515A>G (NM_001375654.1); short protein forms I1641V.
Identifiers: ClinVar variation 2058838 (VCV002058838.4), dbSNP rs975510775, ClinGen allele CA177182704.